The following is an entry in ClinVar:

NM_004817.4(TJP2):c.348C>T (p.Val116=)

Gene: TJP2 (tight junction protein 2; plus strand). Cytogenetic location: 9q21.11.
Variant type: single nucleotide variant.
Coding change: c.348C>T on transcript NM_004817.4 (MANE Select); coding-DNA position 348, C replaced by T.
Protein change: p.Val116=; no amino-acid change (valine 116 retained).
Molecular consequence: synonymous variant.
Genome position (GRCh38, 1-based): chr9:69,220,892, C>T. VCF-style: chr9-69220892-C-T. GRCh37 (hg19) VCF-style: chr9-71835808-C-T.
Other names: c.279C>T, p.Val93= (NM_001170414.2, NM_001369870.1, NM_001369871.1); c.360C>T, p.Val120= (NM_001170415.1, NM_001369874.1, NM_001369875.1); c.441C>T, p.Val147= (NM_001170416.2); c.348C>T, p.Val116= (NM_001369872.1, NM_001369873.1, NM_201629.3).
Identifiers: ClinVar variation 4281876 (VCV004281876.2).
Genomic context (GRCh38, chr9:69,220,892, plus strand): 5'-CTCCACATTCAGTTGTGATTGTCCTGCGTCCACACTGAGTTTGTTTTGACAACAGGTGGT[C>T]AAGAGGCCCCGGAAGGTCCAGGTGGCCGCACTTCAGGCCAGCCCTCCCCTGGATCAGGAT-3'
Protein context (NP_004808.2, residues 106-126): RKSGKVAAIV[Val116=]KRPRKVQVAA

ClinVar aggregate classification (germline): Uncertain significance (1 of 4 stars; one submission).

gnomAD v4.1: 11 of 1,612,090 alleles (0.00068%); highest among the groups gnomAD compares: African/African-American, 0.012%; no homozygotes.

Submission:

GeneDx
Classification: Uncertain significance. Last evaluated: 2025-11-13. Review status: criteria provided, single submitter. Criteria: GeneDx Variant Classification Process June 2021. Collection method: clinical testing. Allele origin: germline.
Comment: In silico analysis suggests that this variant does not alter splicing; Has not been previously published as pathogenic or benign to our knowledge